The following is an entry in ClinVar:

ClinVar aggregate classification (germline): Uncertain significance (1 of 4 stars; one submission).

Conditions:
Neuropathy, hereditary sensory and autonomic, type 2A (HSAN2A). Also called: HSAN IIA; WNK1-Related HSAN2 (HSAN2A); ACROOSTEOLYSIS, GIACCAI TYPE; ACROOSTEOLYSIS, NEUROGENIC; MORVAN DISEASE; NEUROPATHY, CONGENITAL SENSORY. Identifiers: Orphanet 970, MedGen C2752089, MONDO:0024309, OMIM 201300.
Pseudohypoaldosteronism type 2C (PHA2C). Also called: Pseudohypoaldosteronism Type IIC. Identifiers: Orphanet 757, Orphanet 88940, MedGen C1840391, MONDO:0013778, OMIM 614492.

Allele frequency attached by ClinVar (database versions not stated): gnomAD 0.00001; gnomAD exomes 0.00001; TOPMed 0.00001.
gnomAD v4.1: 9 of 1,613,870 alleles (0.00056%); highest among the groups gnomAD compares: Non-Finnish European, 0.00076%; no homozygotes.

Submission:

Labcorp Genetics (formerly Invitae), Labcorp
Classification: Uncertain significance for Neuropathy, hereditary sensory and autonomic, type 2A; Pseudohypoaldosteronism type 2C. Last evaluated: 2025-01-29. Review status: criteria provided, single submitter. Criteria: Invitae Variant Classification Sherloc (09022015). Collection method: clinical testing. Allele origin: germline.
Comment: This sequence change replaces histidine, which is basic and polar, with proline, which is neutral and non-polar, at codon 1042 of the WNK1 protein (p.His1042Pro). This variant is present in population databases (no rsID available, gnomAD 0.003%). This variant has not been reported in the literature in individuals affected with WNK1-related conditions. ClinVar contains an entry for this variant (Variation ID: 2928228). Invitae Evidence Modeling of protein sequence and biophysical properties (such as structural, functional, and spatial information, amino acid conservation, physicochemical variation, residue mobility, and thermodynamic stability) indicates that this missense variant is not expected to disrupt WNK1 protein function with a negative predictive value of 95%. In summary, the available evidence is currently insufficient to determine the role of this variant in disease. Therefore, it has been classified as a Variant of Uncertain Significance.

NM_213655.5(WNK1):c.3125A>C (p.His1042Pro)

Gene: WNK1 (WNK lysine deficient protein kinase 1; plus strand). Cytogenetic location: 12p13.33.
Variant type: single nucleotide variant.
Coding change: c.3125A>C on transcript NM_213655.5 (MANE Plus Clinical); coding-DNA position 3125, A replaced by C.
Protein change: p.His1042Pro; replaces histidine 1042 with proline.
Molecular consequence: missense variant. On other transcripts: intron variant (2).
Genome position (GRCh38, 1-based): chr12:868,596, A>C. VCF-style: chr12-868596-A-C. GRCh37 (hg19) VCF-style: chr12-977762-A-C.
Other names: c.2870A>C, p.His957Pro (NM_001184985.2); c.2140-2669A>C (NM_018979.4, NM_014823.3); short protein forms H957P, H1042P.
Identifiers: ClinVar variation 2928228 (VCV002928228.3), dbSNP rs1400617699, ClinGen allele CA383341151.
Genomic context (GRCh38, chr12:868,596, plus strand): 5'-CTACACGTTTGAAATTTCACCCTGTCTTTGTTCCTCATTCTGCGCCTGCTGTGTTAACTC[A>C]TAACAATGAGAGCAGAAGCAACTGTGTATTTGAATTTCATGTTCACACACCAAGCTCCTC-3'
Protein context (NP_998820.3, residues 1032-1052): VPHSAPAVLT[His1042Pro]NNESRSNCVF